The following is an entry in ClinVar:

NM_005475.3(SH2B3):c.1309A>G (p.Met437Val)

Gene: SH2B3 (SH2B adaptor protein 3; plus strand). Cytogenetic location: 12q24.12.
Variant type: single nucleotide variant.
Coding change: c.1309A>G on transcript NM_005475.3 (MANE Select); coding-DNA position 1309, A replaced by G.
Protein change: p.Met437Val; replaces methionine 437 with valine.
Molecular consequence: missense variant.
Genome position (GRCh38, 1-based): chr12:111,447,728, A>G. VCF-style: chr12-111447728-A-G. GRCh37 (hg19) VCF-style: chr12-111885532-A-G.
Other names: c.703A>G, p.Met235Val (NM_001291424.1); short protein forms M235V, M437V.
Identifiers: ClinVar variation 3953465 (VCV003953465.1).

ClinVar aggregate classification (germline): Uncertain significance (1 of 4 stars; one submission).

Conditions:
Inborn genetic diseases. Identifiers: MedGen C0950123, MeSH D030342.

gnomAD v4.1: 6 of 1,613,990 alleles (0.00037%); highest among the groups gnomAD compares: Middle Eastern, 0.016%; no homozygotes.

Submission:

Ambry Genetics
Classification: Uncertain significance for Inborn genetic diseases. Last evaluated: 2025-04-19. Review status: criteria provided, single submitter. Criteria: Ambry Variant Classification Scheme 2023. Collection method: clinical testing. Allele origin: germline.
Comment: The p.M437V variant (also known as c.1309A>G), located in coding exon 6 of the SH2B3 gene, results from an A to G substitution at nucleotide position 1309. The methionine at codon 437 is replaced by valine, an amino acid with highly similar properties. This amino acid position is conserved. In addition, the in silico prediction for this alteration is inconclusive. Based on the available evidence, the clinical significance of this variant remains unclear.